The following is an entry in ClinVar:

ClinVar aggregate classification (germline): Uncertain significance (1 of 4 stars; one submission).

Conditions:
Hereditary breast ovarian cancer syndrome. Also called: Hereditary breast and ovarian cancer syndrome; Hereditary breast and/or ovarian cancer syndrome; BRCA1- and BRCA2-Associated Hereditary Breast and Ovarian Cancer; Hereditary breast and ovarian cancer syndrome (HBOC); Hereditary breast and ovarian cancer; Breast and ovarian cancer. Identifiers: Orphanet 145, MedGen C0677776, MeSH D061325, MONDO:0003582. Disease mechanism: loss of function.

Submission:

Labcorp Genetics (formerly Invitae), Labcorp
Classification: Uncertain significance for Hereditary breast ovarian cancer syndrome. Last evaluated: 2021-12-15. Review status: criteria provided, single submitter. Criteria: Invitae Variant Classification Sherloc (09022015). Collection method: clinical testing. Allele origin: germline.
Comment: In summary, the available evidence is currently insufficient to determine the role of this variant in disease. Therefore, it has been classified as a Variant of Uncertain Significance. Studies have shown that this variant is associated with altered splicing, but the impact on the resulting protein product is unknown (Invitae). This variant is also known as c.9502-937_9502-923del. This variant has not been reported in the literature in individuals affected with BRCA2-related conditions. The frequency data for this variant in the population databases is considered unreliable, as metrics indicate insufficient coverage at this position in the gnomAD database. This sequence change falls in intron 25 of the BRCA2 gene. It does not directly change the encoded amino acid sequence of the BRCA2 protein.

NM_000059.4(BRCA2):c.9502-924_9502-910del

Gene: BRCA2 (BRCA2 DNA repair associated; plus strand). Cytogenetic location: 13q13.1.
Variant type: Deletion.
Coding change: c.9502-924_9502-910del on transcript NM_000059.4 (MANE Select); 924 bases into the intron before coding-DNA position 9502 through 910 bases into the intron before coding-DNA position 9502, 15 bases deleted (TTTTTTTTTTTTTTT).
Molecular consequence: intron variant.
Genome position (GRCh38, 1-based): chr13:32,395,974-32,395,988, TTTTTTTTTTTTTTT deleted; deleting any 15 consecutive bases within chr13:32,395,961-32,395,988 gives the same sequence; the c. name uses the placement nearest the transcript's 3' end. VCF-style (leftmost placement, unchanged base first): chr13-32395960-CTTTTTTTTTTTTTTT-C. GRCh37 (hg19) VCF-style: chr13-32970097-CTTTTTTTTTTTTTTT-C.
Identifiers: ClinVar variation 2044093 (VCV002044093.4), dbSNP rs397838402, ClinGen allele CA6941398.